The following is an entry in ClinVar:

NM_005245.4(FAT1):c.11497A>G (p.Thr3833Ala)

Gene: FAT1 (FAT atypical cadherin 1; minus strand). Cytogenetic location: 4q35.2.
Variant type: single nucleotide variant.
Coding change: c.11497A>G on transcript NM_005245.4 (MANE Select); coding-DNA position 11497, A replaced by G.
Protein change: p.Thr3833Ala; replaces threonine 3833 with alanine.
Molecular consequence: missense variant.
Genome position (GRCh38, 1-based): chr4:186,601,412, T>C on the plus strand (A>G on the coding strand, the complement: FAT1 is on the minus strand). VCF-style: chr4-186601412-T-C. GRCh37 (hg19) VCF-style: chr4-187522566-T-C.
Other names: short protein forms T3833A.
Identifiers: ClinVar variation 1310738 (VCV001310738.13), dbSNP rs201279606, ClinGen allele CA3165077.

ClinVar aggregate classification (germline): Conflicting classifications of pathogenicity. Review status: criteria provided, conflicting classifications (1 of 4 stars). 3 submissions from 3 submitters: Uncertain significance (1); Likely benign (2). Last evaluated 2025-09-14.

Conditions:
FAT1-related disorder. Also called: FAT1-related condition.

Allele frequency attached by ClinVar (database versions not stated): 1000 Genomes Project 30x 0.00031; 1000 Genomes Project 0.00040; ESP Exome Variant Server 0.00042; ExAC 0.00065; gnomAD exomes 0.00080 and 0.00110; gnomAD 0.00105 and 0.00108; TOPMed 0.00111.
gnomAD v4.1: 1,758 of 1,612,206 alleles (0.11%); highest among the groups gnomAD compares: Admixed American, 0.28%; no homozygotes.

Submissions (3):

GeneDx
Classification: Uncertain significance. Last evaluated: 2025-09-14. Review status: criteria provided, single submitter. Criteria: GeneDx Variant Classification Process June 2021. Collection method: clinical testing. Allele origin: germline. Affected: yes.
Comment: Identified as a germline variant in a proband with chronic lymphocytic leukemia, but detailed clinical information and segregation information were not provided (PMID: 33809641); In silico analysis suggests that this missense variant does not alter protein structure/function; This variant is associated with the following publications: (PMID: 33809641)

Labcorp Genetics (formerly Invitae), Labcorp
Classification: Likely benign. Last evaluated: 2025-04-17. Review status: criteria provided, single submitter. Criteria: Invitae Variant Classification Sherloc (09022015). Collection method: clinical testing. Allele origin: germline.

PreventionGenetics, part of Exact Sciences
Classification: Likely benign for FAT1-related condition. Last evaluated: 2024-10-09. Review status: criteria provided, single submitter. Criteria: ACMG Guidelines, 2015. Collection method: clinical testing. Allele origin: germline.
Comment: This variant is classified as likely benign based on ACMG/AMP sequence variant interpretation guidelines (Richards et al. 2015 PMID: 25741868, with internal and published modifications).